The following is an entry in ClinVar:

NM_012082.4(ZFPM2):c.1756A>G (p.Ser586Gly)

Genes: ZFPM2-AS1 (ZFPM2 antisense RNA 1; minus strand), ZFPM2 (zinc finger protein, FOG family member 2; plus strand). Cytogenetic location: 8q23.1.
Variant type: single nucleotide variant.
Coding change: c.1756A>G on transcript NM_012082.4 (MANE Select); coding-DNA position 1756, A replaced by G.
Protein change: p.Ser586Gly; replaces serine 586 with glycine.
Molecular consequence: missense variant.
Genome position (GRCh38, 1-based): chr8:105,801,838, A>G. VCF-style: chr8-105801838-A-G. GRCh37 (hg19) VCF-style: chr8-106814066-A-G.
Other names: c.1597A>G, p.Ser533Gly (NM_001362836.2); c.1360A>G, p.Ser454Gly (NM_001362837.2); short protein forms S454G, S533G, S586G.
Identifiers: ClinVar variation 2673158 (VCV002673158.23), dbSNP rs751291593, ClinGen allele CA4839801.

ClinVar aggregate classification (germline): Likely benign (1 of 4 stars; one submission).

Allele frequency attached by ClinVar (database versions not stated): TOPMed below 0.00001; ExAC 0.00006.
gnomAD v4.1: 34 of 1,613,994 alleles (0.0021%); highest among the groups gnomAD compares: South Asian, 0.034%; no homozygotes.

Submission:

CeGaT Center for Human Genetics Tuebingen
Classification: Likely benign. Last evaluated: 2023-11-01. Review status: criteria provided, single submitter. Criteria: CeGaT Center For Human Genetics Tuebingen Variant Classification Criteria Version 2. Collection method: clinical testing. Allele origin: germline. Affected: yes. Observed: 1 variant allele.
Comment: ZFPM2: BP4